The following is an entry in ClinVar:

ClinVar aggregate classification (germline): Uncertain significance. Review status: criteria provided, multiple submitters, no conflicts (2 of 4 stars). 3 submissions from 3 submitters: Uncertain significance (2). 1 of the submissions does not count toward it. Last evaluated 2023-03-22.

Conditions:
Blau syndrome (BLAUS). Also called: ARTHROCUTANEOUVEAL GRANULOMATOSIS; GRANULOMATOSIS, FAMILIAL JUVENILE SYSTEMIC; GRANULOMATOSIS, FAMILIAL, BLAU TYPE; GRANULOMATOUS INFLAMMATORY ARTHRITIS, DERMATITIS, AND UVEITIS, FAMILIAL; JABS SYNDROME. Identifiers: Orphanet 90340, MedGen C5201146, MONDO:0008523, OMIM 186580.
Regional enteritis. Also called: Enteritis, Granulomatous. Identifiers: MedGen C0678202, MeSH D003424.

Submissions (3):

GeneDx
Classification: Uncertain significance. Last evaluated: 2023-03-22. Review status: criteria provided, single submitter. Criteria: GeneDx Variant Classification Process June 2021. Collection method: clinical testing. Allele origin: germline. Affected: yes.
Comment: In-frame deletion of 2 amino acids in a non-repeat region; In silico analysis supports that this variant does not alter protein structure/function; This variant is associated with the following publications: (PMID: 11875755)

Labcorp Genetics (formerly Invitae), Labcorp
Classification: Uncertain significance for Regional enteritis; Blau syndrome. Last evaluated: 2022-10-20. Review status: criteria provided, single submitter. Criteria: Invitae Variant Classification Sherloc (09022015). Collection method: clinical testing. Allele origin: germline.
Comment: In summary, the available evidence is currently insufficient to determine the role of this variant in disease. Therefore, it has been classified as a Variant of Uncertain Significance. Experimental studies and prediction algorithms are not available or were not evaluated, and the functional significance of this variant is currently unknown. ClinVar contains an entry for this variant (Variation ID: 97837). This variant is also known as c.1671delCCTGGG. This variant has been observed in individual(s) with Crohn's disease (PMID: 11875755). This variant is present in population databases (rs779106464, gnomAD 0.003%). This variant, c.1672_1677del, results in the deletion of 2 amino acid(s) of the NOD2 protein (p.Leu558_Gly559del), but otherwise preserves the integrity of the reading frame.

Unité médicale des maladies autoinflammatoires, CHRU Montpellier
No classification provided. Condition: Sarcoidosis, early-onset. Review status: no classification provided. Collection method: not provided. Allele origin: unknown. Not counted in ClinVar's aggregate classification.
Comment: also involved in OMIM 186580 and 266600

Literature cited by the submitters: PubMed 11875755 (cited by Labcorp Genetics (formerly Invitae), Labcorp).

NM_001370466.1(NOD2):c.1591_1596del (p.Leu531_Gly532del)

Gene: NOD2 (nucleotide binding oligomerization domain containing 2; plus strand). Cytogenetic location: 16q12.1.
Variant type: Deletion.
Coding change: c.1591_1596del on transcript NM_001370466.1 (MANE Select); coding-DNA positions 1591 to 1596, 6 bases deleted (CTGGGC; older notation c.1591_1596delCTGGGC).
Protein change: p.Leu531_Gly532del.
Molecular consequence: inframe deletion. On other transcripts: non-coding transcript variant (1).
Genome position (GRCh38, 1-based): chr16:50,711,583-50,711,588, CTGGGC deleted; deleting any 6 consecutive bases within chr16:50,711,579-50,711,588 gives the same sequence; the c. name uses the placement nearest the transcript's 3' end. VCF-style (leftmost placement, unchanged base first): chr16-50711578-GGGGCCT-G. GRCh37 (hg19) VCF-style: chr16-50745489-GGGGCCT-G.
Other names: c.1672_1677del (LRG_177t1); c.1591_1596del, p.Leu531_Gly532del (NM_001293557.2); c.1672_1677del, p.Leu558_Gly559del (NM_022162.3).
Identifiers: ClinVar variation 97837 (VCV000097837.7), dbSNP rs104895436, ClinGen allele CA150225.